The following is an entry in ClinVar:

ClinVar aggregate classification (germline): Pathogenic (1 of 4 stars; one submission).

Conditions:
Spondyloepimetaphyseal dysplasia, PAPSS2 type. Also called: SEMD, PAKISTANI TYPE; BRACHYOLMIA TYPE 4 WITH MILD EPIPHYSEAL AND METAPHYSEAL CHANGES; SPONDYLODYSPLASIA AND PREMATURE PUBARCHE. Identifiers: Orphanet 93282, MedGen C2748516, MONDO:0019666, OMIM 612847.

Submission:

Labcorp Genetics (formerly Invitae), Labcorp
Classification: Pathogenic for Spondyloepimetaphyseal dysplasia, PAPSS2 type. Last evaluated: 2023-12-11. Review status: criteria provided, single submitter. Criteria: Invitae Variant Classification Sherloc (09022015). Collection method: clinical testing. Allele origin: germline.
Comment: This sequence change creates a premature translational stop signal (p.Leu425Cysfs*2) in the PAPSS2 gene. It is expected to result in an absent or disrupted protein product. Loss-of-function variants in PAPSS2 are known to be pathogenic (PMID: 22791835, 23633440). This variant is present in population databases (no rsID available, gnomAD 0.007%). This variant has not been reported in the literature in individuals affected with PAPSS2-related conditions. For these reasons, this variant has been classified as Pathogenic.

Literature cited by the submitters: PubMed 22791835; PubMed 23633440.

NM_001015880.2(PAPSS2):c.1273del (p.Leu425fs)

Gene: PAPSS2 (3'-phosphoadenosine 5'-phosphosulfate synthase 2; plus strand). Cytogenetic location: 10q23.31.
Variant type: Deletion.
Coding change: c.1273del on transcript NM_001015880.2 (MANE Select); coding-DNA position 1273, one base deleted (C; older notation c.1273delC).
Protein change: p.Leu425fs; shifts the reading frame from leucine 425.
Molecular consequence: frameshift variant.
Genome position (GRCh38, 1-based): chr10:87,743,423, C deleted; the last of 3 consecutive C bases (chr10:87,743,421-87,743,423); deleting any one gives the same sequence. VCF-style (leftmost placement, unchanged base first): chr10-87743420-GC-G. GRCh37 (hg19) VCF-style: chr10-89503177-GC-G.
Other names: c.1258del, p.Leu420fs (NM_004670.4); short protein forms L420fs, L425fs.
Identifiers: ClinVar variation 2791800 (VCV002791800.3), dbSNP rs1209588647, ClinGen allele CA595184642.